The following is an entry in ClinVar:

ClinVar aggregate classification (germline): Pathogenic/Likely pathogenic. Review status: criteria provided, multiple submitters, no conflicts (2 of 4 stars). 3 submissions from 3 submitters: Pathogenic (2); Likely pathogenic (1). Last evaluated 2025-04-14.

Conditions:
RDH5-related disorder. Also called: RDH5-related condition.
Pigmentary retinal dystrophy. Also called: Fundus albipunctatus. Identifiers: Orphanet 227796, Orphanet 52427, MedGen C0311338, MONDO:0007639, OMIM 136880, HP:0030642.

Allele frequency attached by ClinVar (database versions not stated): ExAC 0.00002; gnomAD 0.00003; TOPMed 0.00003; gnomAD exomes 0.00004 and 0.00005; ESP Exome Variant Server 0.00015.

Submissions (3):

Labcorp Genetics (formerly Invitae), Labcorp
Classification: Pathogenic. Last evaluated: 2025-04-14. Review status: criteria provided, single submitter. Criteria: Invitae Variant Classification Sherloc (09022015). Collection method: clinical testing. Allele origin: germline.
Comment: This sequence change creates a premature translational stop signal (p.Gln130*) in the RDH5 gene. It is expected to result in an absent or disrupted protein product. Loss-of-function variants in RDH5 are known to be pathogenic (PMID: 11675386, 22815624). This variant is present in population databases (rs375788435, gnomAD 0.009%). This variant has not been reported in the literature in individuals affected with RDH5-related conditions. ClinVar contains an entry for this variant (Variation ID: 963051). For these reasons, this variant has been classified as Pathogenic.

Fulgent Genetics
Classification: Likely pathogenic for Pigmentary retinal dystrophy. Last evaluated: 2024-05-06. Review status: criteria provided, single submitter. Criteria: ACMG Guidelines, 2015. Collection method: clinical testing. Allele origin: germline.

Blueprint Genetics
Classification: Pathogenic for RDH5-related disorders. Last evaluated: 2022-07-21. Review status: criteria provided, single submitter. Criteria: ACMG Guidelines, 2015. Collection method: clinical testing. Allele origin: germline. Affected: yes. Observed: 3 variant alleles.

Literature cited by the submitters: PubMed 11675386 (cited by Labcorp Genetics (formerly Invitae), Labcorp); PubMed 22815624 (cited by Labcorp Genetics (formerly Invitae), Labcorp).

NM_002905.5(RDH5):c.388C>T (p.Gln130Ter)

Genes: BLOC1S1-RDH5 (BLOC1S1-RDH5 readthrough; plus strand), RDH5 (retinol dehydrogenase 5; plus strand). Cytogenetic location: 12q13.2.
Variant type: single nucleotide variant.
Coding change: c.388C>T on transcript NM_002905.5 (MANE Select); coding-DNA position 388, C replaced by T.
Protein change: p.Gln130Ter; replaces glutamine 130 with a stop codon.
Molecular consequence: nonsense. On other transcripts: non-coding transcript variant (1).
Genome position (GRCh38, 1-based): chr12:55,721,766, C>T. VCF-style: chr12-55721766-C-T. GRCh37 (hg19) VCF-style: chr12-56115550-C-T.
Other names: c.388C>T, p.Gln130Ter (NM_001199771.3); short protein forms Q130*.
Identifiers: ClinVar variation 963051 (VCV000963051.9), dbSNP rs375788435, ClinGen allele CA6616828.
Genomic context (GRCh38, chr12:55,721,766, plus strand): 5'-AATAATGCTGGTGTGGCTGGTATCATCGGACCCACACCATGGCTGACCCGGGACGATTTC[C>T]AGCGGGTGCTGAATGTGAACACAATGGGTCCCATCGGGGTCACCCTTGCCCTGCTGCCTC-3'